The following is an entry in ClinVar:

ClinVar aggregate classification (germline): Likely benign. Review status: criteria provided, multiple submitters, no conflicts (2 of 4 stars). 3 submissions from 3 submitters: Likely benign (3). Last evaluated 2025-10-13.

Conditions:
Inborn genetic diseases. Identifiers: MedGen C0950123, MeSH D030342.
Autosomal dominant Parkinson disease 8. Also called: LRRK2-Related Parkinson Disease; Parkinson disease 8; Parkinson disease 8, susceptibility to. Identifiers: Orphanet 411602, MedGen C1846862, MONDO:0011764, OMIM 607060.

Allele frequency attached by ClinVar (database versions not stated): gnomAD exomes 0.00001 and 0.00002; ExAC 0.00003; TOPMed 0.00003; gnomAD 0.00004.
gnomAD v4.1: 32 of 1,613,784 alleles (0.002%); highest among the groups gnomAD compares: Non-Finnish European, 0.0026%; no homozygotes.

Submissions (3):

Labcorp Genetics (formerly Invitae), Labcorp
Classification: Likely benign for Autosomal dominant Parkinson disease 8. Last evaluated: 2025-10-13. Review status: criteria provided, single submitter. Criteria: Invitae Variant Classification Sherloc (09022015). Collection method: clinical testing. Allele origin: germline.

CeGaT Center for Human Genetics Tuebingen
Classification: Likely benign. Last evaluated: 2023-01-01. Review status: criteria provided, single submitter. Criteria: CeGaT Center For Human Genetics Tuebingen Variant Classification Criteria Version 2. Collection method: clinical testing. Allele origin: germline. Affected: yes. Observed: 1 variant allele.
Comment: LRRK2: BP4, BP7

Ambry Genetics
Classification: Likely benign for Inborn genetic diseases. Last evaluated: 2022-02-22. Review status: criteria provided, single submitter. Criteria: Ambry Variant Classification Scheme 2023. Collection method: clinical testing. Allele origin: germline.

NM_198578.4(LRRK2):c.3993T>G (p.Pro1331=)

Gene: LRRK2 (leucine rich repeat kinase 2; plus strand). Cytogenetic location: 12q12.
Variant type: single nucleotide variant.
Coding change: c.3993T>G on transcript NM_198578.4 (MANE Select); coding-DNA position 3993, T replaced by G.
Protein change: p.Pro1331=; no amino-acid change (proline 1331 retained).
Molecular consequence: synonymous variant.
Genome position (GRCh38, 1-based): chr12:40,308,500, T>G. VCF-style: chr12-40308500-T-G. GRCh37 (hg19) VCF-style: chr12-40702302-T-G.
Identifiers: ClinVar variation 1160689 (VCV001160689.34), dbSNP rs141293633, ClinGen allele CA6514065.